The following is an entry in ClinVar:

NM_018389.5(SLC35C1):c.663G>A (p.Pro221=)

Gene: SLC35C1 (solute carrier family 35 member C1; plus strand). Cytogenetic location: 11p11.2.
Variant type: single nucleotide variant.
Coding change: c.663G>A on transcript NM_018389.5 (MANE Select); coding-DNA position 663, G replaced by A.
Protein change: p.Pro221=; no amino-acid change (proline 221 retained).
Molecular consequence: synonymous variant.
Genome position (GRCh38, 1-based): chr11:45,810,903, G>A. VCF-style: chr11-45810903-G-A. GRCh37 (hg19) VCF-style: chr11-45832454-G-A.
Other names: c.624G>A, p.Pro208= (NM_001145265.2, NM_001145266.2).
Identifiers: ClinVar variation 95904 (VCV000095904.16), dbSNP rs111773874, ClinGen allele CA223530.

ClinVar aggregate classification (germline): Conflicting classifications of pathogenicity. Review status: criteria provided, conflicting classifications (1 of 4 stars). 3 submissions from 3 submitters: Uncertain significance (1); Likely benign (1). 1 of the submissions does not count toward it. Last evaluated 2025-12-21.

Conditions:
SLC35C1-related disorder. Also called: SLC35C1-related condition.
Leukocyte adhesion deficiency type II. Also called: CONGENITAL DISORDER OF GLYCOSYLATION, TYPE IIc; CDG IIc; Congenital disorder of glycosylation type 2C; CDG 2C; Leukocyte adhesion deficiency type 2; Rambam Hasharon syndrome. Identifiers: Orphanet 2968, Orphanet 99843, MedGen C0398739, MONDO:0009953, OMIM 266265.

Allele frequency attached by ClinVar (database versions not stated): gnomAD exomes 0.00004 and 0.00006; ExAC 0.00007; TOPMed 0.00010; gnomAD 0.00012 and 0.00013; ESP Exome Variant Server 0.00031; 1000 Genomes Project 0.00060; 1000 Genomes Project 30x 0.00062.

Submissions (3):

Labcorp Genetics (formerly Invitae), Labcorp
Classification: Likely benign for Leukocyte adhesion deficiency type II. Last evaluated: 2025-12-21. Review status: criteria provided, single submitter. Criteria: Invitae Variant Classification Sherloc (09022015). Collection method: clinical testing. Allele origin: germline.

Eurofins Ntd Llc (ga)
Classification: Uncertain significance. Last evaluated: 2012-07-26. Review status: criteria provided, single submitter. Criteria: EGL Classification Definitions 2015. Collection method: clinical testing. Allele origin: germline. Observed: 1 variant allele, 1 heterozygote.

PreventionGenetics, part of Exact Sciences
Classification: Likely benign for SLC35C1-related condition. Last evaluated: 2023-05-03. Review status: no assertion criteria provided. Collection method: clinical testing. Allele origin: germline. Not counted in ClinVar's aggregate classification.
Comment: This variant is classified as likely benign based on ACMG/AMP sequence variant interpretation guidelines (Richards et al. 2015 PMID: 25741868, with internal and published modifications).